The following is an entry in ClinVar:

NM_007325.5(GRIA3):c.547del (p.Gln183fs)

Gene: GRIA3 (glutamate ionotropic receptor AMPA type subunit 3; plus strand). Cytogenetic location: Xq25.
Variant type: Deletion.
Coding change: c.547del on transcript NM_007325.5 (MANE Select); coding-DNA position 547, one base deleted (C; older notation c.547delC).
Protein change: p.Gln183fs; shifts the reading frame from glutamine 183.
Molecular consequence: frameshift variant.
Genome position (GRCh38, 1-based): chrX:123,326,064, C deleted. VCF-style (leftmost placement, unchanged base first): chrX-123326063-GC-G. GRCh37 (hg19) VCF-style: chrX-122459914-GC-G.
Other names: c.547del, p.Gln183fs (NM_000828.5); short protein forms Q183fs.
Identifiers: ClinVar variation 5018887 (VCV005018887.2).

ClinVar aggregate classification (germline): Uncertain significance (1 of 4 stars; one submission).

Conditions:
Syndromic X-linked intellectual disability 94 (MRXSW). Also called: MENTAL RETARDATION, X-LINKED, SYNDROMIC 29; X-linked intellectual disability due to GRIA3 anomalies. Identifiers: Orphanet 364028, MedGen C2678051, MONDO:0010402, OMIM 300699.

Submission:

Juno Genomics, Hangzhou Juno Genomics, Inc
Classification: Uncertain significance for Syndromic X-linked intellectual disability 94. Review status: criteria provided, single submitter. Criteria: ACMG Guidelines, 2015. Collection method: clinical testing. Allele origin: germline.
Comment: Absent from controls (or at extremely low frequency if recessive) in Genome Aggregation Database.